The following is an entry in ClinVar:

NM_000038.6(APC):c.2754G>A (p.Glu918=)

Gene: APC (APC regulator of Wnt signaling pathway; plus strand). Cytogenetic location: 5q22.2.
Variant type: single nucleotide variant.
Coding change: c.2754G>A on transcript NM_000038.6 (MANE Select); coding-DNA position 2754, G replaced by A.
Protein change: p.Glu918=; no amino-acid change (glutamic acid 918 retained).
Molecular consequence: synonymous variant.
Genome position (GRCh38, 1-based): chr5:112,838,348, G>A. VCF-style: chr5-112838348-G-A. GRCh37 (hg19) VCF-style: chr5-112174045-G-A.
Other names: c.2754G>A, p.Glu918= (NM_001127510.3, NM_001354895.2); c.2700G>A, p.Glu900= (NM_001127511.3); c.2808G>A, p.Glu936= (NM_001354896.2); c.2784G>A, p.Glu928= (NM_001354897.2); c.2679G>A, p.Glu893= (NM_001354898.2); c.2670G>A, p.Glu890= (NM_001354899.2); c.2631G>A, p.Glu877= (NM_001354900.2); c.2577G>A, p.Glu859= (NM_001354901.2); and 5 more.
Identifiers: ClinVar variation 469770 (VCV000469770.19), dbSNP rs767066195, ClinGen allele CA033297.
Genomic context (GRCh38, chr5:112,838,348, plus strand): 5'-TACCTCTCAGGAAGACAGAAGTTCTGGGTCTACCACTGAATTACATTGTGTGACAGATGA[G>A]AGAAATGCACTTAGAAGAAGCTCTGCTGCCCATACACATTCAAACACTTACAATTTCACT-3'
Protein context (NP_000029.2, residues 908-928): STTELHCVTD[Glu918=]RNALRRSSAA

ClinVar aggregate classification (germline): Benign/Likely benign. Review status: criteria provided, multiple submitters, no conflicts (2 of 4 stars). 6 submissions from 6 submitters: Benign (1); Likely benign (5). Last evaluated 2025-11-27.

Conditions:
Hereditary cancer-predisposing syndrome. Also called: Hereditary neoplastic syndrome; Neoplastic Syndromes, Hereditary; Tumor predisposition; Hereditary Cancer Syndrome. Identifiers: Orphanet 140162, MedGen C0027672, MeSH D009386, MONDO:0015356.
Familial adenomatous polyposis 1 (FAP1). Also called: POLYPOSIS, ADENOMATOUS INTESTINAL; FAMILIAL ADENOMATOUS POLYPOSIS 1, ATTENUATED. Identifiers: MedGen C2713442, MONDO:0021056, OMIM 175100. Disease mechanism: loss of function.
Classic or attenuated familial adenomatous polyposis. Identifiers: MedGen CN372698, MONDO:0021057.

Allele frequency attached by ClinVar (database versions not stated): gnomAD exomes below 0.00001; ExAC 0.00001; TOPMed 0.00002; gnomAD 0.00003.
gnomAD v4.1: 5 of 1,614,096 alleles (0.00031%); highest among the groups gnomAD compares: African/African-American, 0.0067%; no homozygotes.

Submissions (6):

Labcorp Genetics (formerly Invitae), Labcorp
Classification: Likely benign for Familial adenomatous polyposis 1. Last evaluated: 2025-11-27. Review status: criteria provided, single submitter. Criteria: Invitae Variant Classification Sherloc (09022015). Collection method: clinical testing. Allele origin: germline.

Myriad Genetics, Inc.
Classification: Benign for Familial adenomatous polyposis 1. Last evaluated: 2024-03-15. Review status: criteria provided, single submitter. Criteria: Myriad Autosomal Dominant, Autosomal Recessive and X-Linked Classification Criteria (2023). Collection method: clinical testing. Allele origin: unknown.
Comment: This variant is considered benign. This variant is a silent/synonymous amino acid change and it is not expected to impact splicing.

All of Us Research Program, National Institutes of Health
Classification: Likely benign for Classic or attenuated familial adenomatous polyposis. Last evaluated: 2024-02-05. Review status: criteria provided, single submitter. Criteria: ACMG Guidelines, 2015. Collection method: clinical testing. Allele origin: germline. Inheritance: Autosomal dominant inheritance. Observed: 2 variant alleles, 2 heterozygotes.
Comment: This study involves interpretation of variants in research participants for the purpose of population health screening. Participant phenotype was not available at the time of variant classification. Additional details can be found in publication PMID: 35346344, PMCID: PMC8962531

Sema4
Classification: Likely benign for Hereditary cancer-predisposing syndrome. Last evaluated: 2021-10-05. Review status: criteria provided, single submitter. Criteria: Sema4 Curation Guidelines. Collection method: curation. Allele origin: germline.

Color Diagnostics, LLC DBA Color Health
Classification: Likely benign for Hereditary cancer-predisposing syndrome. Last evaluated: 2019-10-24. Review status: criteria provided, single submitter. Criteria: ACMG Guidelines, 2015. Collection method: clinical testing. Allele origin: germline.

Ambry Genetics
Classification: Likely benign for Hereditary cancer-predisposing syndrome. Last evaluated: 2016-07-13. Review status: criteria provided, single submitter. Criteria: Ambry Variant Classification Scheme 2023. Collection method: clinical testing. Allele origin: germline.